The following is an entry in ClinVar:

NM_006231.4(POLE):c.3632_3795+72del

Gene: POLE (DNA polymerase epsilon, catalytic subunit; minus strand). Cytogenetic location: 12q24.33.
Variant type: Deletion.
Coding change: c.3632_3795+72del on transcript NM_006231.4 (MANE Select); coding-DNA position 3632 through 72 bases into the intron after coding-DNA position 3795, 236 bases deleted.
Molecular consequence: splice donor variant.
Genome position (GRCh38, 1-based): chr12:132,649,605-132,649,840, 236 bases deleted. GRCh37 (hg19): chr12:133,226,191-133,226,426.
Identifiers: ClinVar variation 1391586 (VCV001391586.6), dbSNP rs2138611542, ClinGen allele CA2573148147.

ClinVar aggregate classification (germline): Pathogenic (1 of 4 stars; one submission).

Submission:

Labcorp Genetics (formerly Invitae), Labcorp
Classification: Pathogenic. Last evaluated: 2022-05-12. Review status: criteria provided, single submitter. Criteria: Invitae Variant Classification Sherloc (09022015). Collection method: clinical testing. Allele origin: germline.
Comment: This variant has not been reported in the literature in individuals affected with POLE-related conditions. This variant is not present in population databases (gnomAD no frequency). This variant results in the deletion of part of exons 30 and 31 (c.3632_3974delinsGAC) of the POLE gene. This deletion is out-of-frame, and is expected to create a premature termination codon and result in an absent or disrupted protein product. Loss-of-function variants in POLE are known to be pathogenic (PMID: 23230001, 25948378, 30503519). Algorithms developed to predict the effect of sequence changes on RNA splicing suggest that this variant may disrupt the consensus splice site. For these reasons, this variant has been classified as Pathogenic.

Literature cited by the submitters: PubMed 23230001; PubMed 25948378; PubMed 30503519.